The following is an entry in ClinVar:

NM_006231.4(POLE):c.2314C>A (p.His772Asn)

Gene: POLE (DNA polymerase epsilon, catalytic subunit; minus strand). Cytogenetic location: 12q24.33.
Variant type: single nucleotide variant.
Coding change: c.2314C>A on transcript NM_006231.4 (MANE Select); coding-DNA position 2314, C replaced by A.
Protein change: p.His772Asn; replaces histidine 772 with asparagine.
Molecular consequence: missense variant.
Genome position (GRCh38, 1-based): chr12:132,667,508, G>T on the plus strand (C>A on the coding strand, the complement: POLE is on the minus strand). VCF-style: chr12-132667508-G-T. GRCh37 (hg19) VCF-style: chr12-133244094-G-T.
Other names: short protein forms H772N.
Identifiers: ClinVar variation 3935794 (VCV003935794.1).
Genomic context (GRCh38, chr12:132,667,508, plus strand): 5'-AGCCGACTGAAACTGCCCTCACAGAGGCCAAAGCTTGCAGCCCCTCAGAGCTCACCTTGT[G>T]GAGCCCTTTGAACTCGTAACGCCTGTCCCGGAAGGCACGCACGGTGTCCACGTAGAAGGA-3'
Protein context (NP_006222.2, residues 762-782): RDRRYEFKGL[His772Asn]KVWKKKLSAA

ClinVar aggregate classification (germline): Uncertain significance (1 of 4 stars; one submission).

Conditions:
Hereditary cancer-predisposing syndrome. Also called: Tumor predisposition; Hereditary neoplastic syndrome; Hereditary Cancer Syndrome; Neoplastic Syndromes, Hereditary. Identifiers: Orphanet 140162, MedGen C0027672, MeSH D009386, MONDO:0015356.

Submission:

Ambry Genetics
Classification: Uncertain significance for Hereditary cancer-predisposing syndrome. Last evaluated: 2025-06-12. Review status: criteria provided, single submitter. Criteria: Ambry Variant Classification Scheme 2023. Collection method: clinical testing. Allele origin: germline.
Comment: The p.H772N variant (also known as c.2314C>A), located in coding exon 20 of the POLE gene, results from a C to A substitution at nucleotide position 2314. The histidine at codon 772 is replaced by asparagine, an amino acid with similar properties. This amino acid position is conserved. In addition, this alteration is predicted to be tolerated by in silico analysis. Based on the available evidence, the clinical significance of this variant remains unclear.